The following is an entry in ClinVar:

NM_020821.3(VPS13C):c.7560C>G (p.Ala2520=)

Gene: VPS13C (vacuolar protein sorting 13 homolog C; minus strand). Cytogenetic location: 15q22.2.
Variant type: single nucleotide variant.
Coding change: c.7560C>G on transcript NM_020821.3 (MANE Select); coding-DNA position 7560, C replaced by G.
Protein change: p.Ala2520=; no amino-acid change (alanine 2520 retained).
Molecular consequence: synonymous variant.
Genome position (GRCh38, 1-based): chr15:61,919,367, G>C on the plus strand (C>G on the coding strand, the complement: VPS13C is on the minus strand). VCF-style: chr15-61919367-G-C. GRCh37 (hg19) VCF-style: chr15-62211566-G-C.
Other names: c.7560C>G, p.Ala2520= (NM_001018088.3); c.7431C>G, p.Ala2477= (NM_017684.5, NM_018080.4).
Identifiers: ClinVar variation 725846 (VCV000725846.35), dbSNP rs72747888, ClinGen allele CA7595232.

ClinVar aggregate classification (germline): Likely benign. Review status: criteria provided, multiple submitters, no conflicts (2 of 4 stars). 4 submissions from 4 submitters: Likely benign (4). Last evaluated 2025-12-23.

Allele frequency attached by ClinVar (database versions not stated): 1000 Genomes Project 0.00040; gnomAD exomes 0.00043; 1000 Genomes Project 30x 0.00047; gnomAD 0.00047 and 0.00049; ESP Exome Variant Server 0.00054; TOPMed 0.00054; ExAC 0.00033.
gnomAD v4.1: 1,207 of 1,604,750 alleles (0.075%); highest among the groups gnomAD compares: Non-Finnish European, 0.094%; 2 homozygotes.

Submissions (4):

Labcorp Genetics (formerly Invitae), Labcorp
Classification: Likely benign. Last evaluated: 2025-12-23. Review status: criteria provided, single submitter. Criteria: Invitae Variant Classification Sherloc (09022015). Collection method: clinical testing. Allele origin: germline.

Blueprint Genetics
Classification: Likely benign. Last evaluated: 2024-10-16. Review status: criteria provided, single submitter. Criteria: ACMG Guidelines, 2015. Collection method: clinical testing. Allele origin: germline.

CeGaT Center for Human Genetics Tuebingen
Classification: Likely benign. Last evaluated: 2023-02-01. Review status: criteria provided, single submitter. Criteria: CeGaT Center For Human Genetics Tuebingen Variant Classification Criteria Version 2. Collection method: clinical testing. Allele origin: germline. Affected: yes. Observed: 1 variant allele.
Comment: VPS13C: BP4, BP7

Breakthrough Genomics
Classification: Likely benign. Review status: criteria provided, single submitter. Criteria: ACMG Guidelines, 2015. Collection method: not provided. Allele origin: germline. Inheritance: Autosomal recessive inheritance. Affected: yes.